The following is an entry in ClinVar:

ClinVar aggregate classification (germline): Likely benign (0 of 4 stars; one submission).

Conditions:
SEMA3C-related disorder. Also called: SEMA3C-related condition.

Allele frequency attached by ClinVar (database versions not stated): gnomAD exomes 0.00002; gnomAD 0.00003; TOPMed 0.00003; ExAC 0.00007; ESP Exome Variant Server 0.00008.
gnomAD v4.1: 39 of 1,613,852 alleles (0.0024%); highest among the groups gnomAD compares: African/African-American, 0.0027%; no homozygotes.

Submission:

PreventionGenetics, part of Exact Sciences
Classification: Likely benign for SEMA3C-related condition. Last evaluated: 2023-06-16. Review status: no assertion criteria provided. Collection method: clinical testing. Allele origin: germline.
Comment: This variant is classified as likely benign based on ACMG/AMP sequence variant interpretation guidelines (Richards et al. 2015 PMID: 25741868, with internal and published modifications).

NM_006379.5(SEMA3C):c.2013G>A (p.Thr671=)

Gene: SEMA3C (semaphorin 3C; minus strand). Cytogenetic location: 7q21.11.
Variant type: single nucleotide variant.
Coding change: c.2013G>A on transcript NM_006379.5 (MANE Select); coding-DNA position 2013, G replaced by A.
Protein change: p.Thr671=; no amino-acid change (threonine 671 retained).
Molecular consequence: synonymous variant.
Genome position (GRCh38, 1-based): chr7:80,745,137, C>T on the plus strand (G>A on the coding strand, the complement: SEMA3C is on the minus strand). VCF-style: chr7-80745137-C-T. GRCh37 (hg19) VCF-style: chr7-80374453-C-T.
Other names: c.2067G>A, p.Thr689= (NM_001350120.2); c.1839G>A, p.Thr613= (NM_001350121.2).
Identifiers: ClinVar variation 3036368 (VCV003036368.2), dbSNP rs370225417, ClinGen allele CA4315930.